The following is an entry in ClinVar:

ClinVar aggregate classification (germline): Uncertain significance. Review status: criteria provided, multiple submitters, no conflicts (2 of 4 stars). 2 submissions from 2 submitters: Uncertain significance (2). Last evaluated 2022-12-16.

Conditions:
Inborn genetic diseases. Identifiers: MedGen C0950123, MeSH D030342.

Allele frequency attached by ClinVar (database versions not stated): TOPMed 0.00002.
gnomAD v4.1: 6 of 1,613,988 alleles (0.00037%); highest among the groups gnomAD compares: Admixed American, 0.0033%; no homozygotes.

Submissions (2):

Ambry Genetics
Classification: Uncertain significance for Inborn genetic diseases. Last evaluated: 2022-12-16. Review status: criteria provided, single submitter. Criteria: Ambry Variant Classification Scheme 2023. Collection method: clinical testing. Allele origin: germline.

Labcorp Genetics (formerly Invitae), Labcorp
Classification: Uncertain significance. Last evaluated: 2022-03-04. Review status: criteria provided, single submitter. Criteria: Invitae Variant Classification Sherloc (09022015). Collection method: clinical testing. Allele origin: germline.
Comment: In summary, the available evidence is currently insufficient to determine the role of this variant in disease. Therefore, it has been classified as a Variant of Uncertain Significance. Algorithms developed to predict the effect of missense changes on protein structure and function are either unavailable or do not agree on the potential impact of this missense change (SIFT: "Deleterious"; PolyPhen-2: "Probably Damaging"; Align-GVGD: "Class C0"). This variant has not been reported in the literature in individuals affected with C2CD3-related conditions. This variant is present in population databases (no rsID available, gnomAD 0.006%). This sequence change replaces tyrosine, which is neutral and polar, with cysteine, which is neutral and slightly polar, at codon 1517 of the C2CD3 protein (p.Tyr1517Cys).

NM_001286577.2(C2CD3):c.4550A>G (p.Tyr1517Cys)

Gene: C2CD3 (C2 domain containing 3 centriole elongation regulator; minus strand). Cytogenetic location: 11q13.4.
Variant type: single nucleotide variant.
Coding change: c.4550A>G on transcript NM_001286577.2 (MANE Select); coding-DNA position 4550, A replaced by G.
Protein change: p.Tyr1517Cys; replaces tyrosine 1517 with cysteine.
Molecular consequence: missense variant.
Genome position (GRCh38, 1-based): chr11:74,078,168, T>C on the plus strand (A>G on the coding strand, the complement: C2CD3 is on the minus strand). VCF-style: chr11-74078168-T-C. GRCh37 (hg19) VCF-style: chr11-73789213-T-C.
Other names: c.4550A>G, p.Tyr1517Cys (NM_015531.6); short protein forms Y1517C.
Identifiers: ClinVar variation 1935550 (VCV001935550.4), dbSNP rs1048880011, ClinGen allele CA224496195.